The following is an entry in ClinVar:

NM_000444.6(PHEX):c.2198G>T (p.Cys733Phe)

Genes: PHEX (phosphate regulating endopeptidase X-linked; plus strand), PTCHD1-AS (PTCHD1 and PHEX antisense RNA; minus strand). Cytogenetic location: Xp22.11.
Variant type: single nucleotide variant.
Coding change: c.2198G>T on transcript NM_000444.6 (MANE Select); coding-DNA position 2198, G replaced by T.
Protein change: p.Cys733Phe; replaces cysteine 733 with phenylalanine.
Molecular consequence: missense variant. On other transcripts: 3 prime UTR variant (1).
Genome position (GRCh38, 1-based): chrX:22,247,901, G>T. VCF-style: chrX-22247901-G-T. GRCh37 (hg19) VCF-style: chrX-22266018-G-T.
Other names: c.*33G>T (NM_001282754.2); short protein forms C733F.
Identifiers: ClinVar variation 803777 (VCV000803777.11), dbSNP rs1057517981, ClinGen allele CA412575462.
Genomic context (GRCh38, chrX:22,247,901, plus strand): 5'-CGTTTTTCAGGGTCAATGGTGCAATTAGTAACTTTGAAGAATTCCAGAAAGCTTTTAACT[G>T]TCCACCCAATTCCACGATGAACAGAGGCATGGACTCCTGCCGACTCTGGTAGCTGGGACG-3'
Protein context (NP_000435.3, residues 723-743): NFEEFQKAFN[Cys733Phe]PPNSTMNRGM

ClinVar aggregate classification (germline): Pathogenic/Likely pathogenic. Review status: criteria provided, multiple submitters, no conflicts (2 of 4 stars). 3 submissions from 3 submitters: Pathogenic (2); Likely pathogenic (1). Last evaluated 2025-05-08.

Conditions:
Familial X-linked hypophosphatemic vitamin D refractory rickets (XLHRD). Also called: HYPOPHOSPHATEMIC VITAMIN D-RESISTANT RICKETS; Hypophosphatemia, vitamin D-resistant rickets; Vitamin D-resistant rickets, X-linked; X-Linked Hypophosphatemia; Hypophosphatemic Rickets, X-Linked Dominant. Identifiers: Orphanet 89936, MedGen C0733682, MONDO:0010619, OMIM 307800.

Submissions (3):

Clinical Biomedical Laboratory, Shriners Hospital For Children - Canada
Classification: Pathogenic for Familial X-linked hypophosphatemic vitamin D refractory rickets. Last evaluated: 2025-05-08. Review status: criteria provided, single submitter. Criteria: ACMG Guidelines, 2015. Collection method: clinical testing. Allele origin: germline. Affected: yes.
Comment: This variant is predicted to substitute a cysteine residue by an phenylalanine residue. This variant is not found in Genome Aggregation Database (v2.1.1). This variant has been reported in the literature (PMID 33639975) in individuals with a diagnosis of X-linked hypophosphatemic rickets. Computational tools indicate this change is damaging. Based on the ACMG variant interpretation guidelines, the available evidence supports classification of this variant as pathogenic.

Labcorp Genetics (formerly Invitae), Labcorp
Classification: Pathogenic. Last evaluated: 2022-11-29. Review status: criteria provided, single submitter. Criteria: Invitae Variant Classification Sherloc (09022015). Collection method: clinical testing. Allele origin: germline.
Comment: For these reasons, this variant has been classified as Pathogenic. This variant disrupts the p.Cys733 amino acid residue in PHEX. Other variant(s) that disrupt this residue have been determined to be pathogenic (PMID: 2589938, 22527485). This suggests that this residue is clinically significant, and that variants that disrupt this residue are likely to be disease-causing. Advanced modeling of protein sequence and biophysical properties (such as structural, functional, and spatial information, amino acid conservation, physicochemical variation, residue mobility, and thermodynamic stability) performed at Invitae indicates that this missense variant is expected to disrupt PHEX protein function. ClinVar contains an entry for this variant (Variation ID: 803777). This missense change has been observed in individual(s) with clinical features of hypophosphatemic rickets (PMID: 33639975). This variant is not present in population databases (gnomAD no frequency). This sequence change replaces cysteine, which is neutral and slightly polar, with phenylalanine, which is neutral and non-polar, at codon 733 of the PHEX protein (p.Cys733Phe).

Mendelics
Classification: Likely pathogenic for Familial X-linked hypophosphatemic vitamin D refractory rickets. Last evaluated: 2019-05-28. Review status: criteria provided, single submitter. Criteria: Mendelics Assertion Criteria 2017. Collection method: clinical testing. Allele origin: unknown.

Literature cited by the submitters: PubMed 33639975 (cited by Clinical Biomedical Laboratory, Shriners Hospital For Children - Canada and Labcorp Genetics (formerly Invitae), Labcorp); PubMed 2589938 (cited by Labcorp Genetics (formerly Invitae), Labcorp); PubMed 22527485 (cited by Labcorp Genetics (formerly Invitae), Labcorp).